The following is an entry in ClinVar:

NM_012062.5(DNM1L):c.1597-121T>C

Gene: DNM1L (dynamin 1 like; plus strand). Cytogenetic location: 12p11.21.
Variant type: single nucleotide variant.
Coding change: c.1597-121T>C on transcript NM_012062.5 (MANE Select); 121 bases into the intron before coding-DNA position 1597, T replaced by C.
Molecular consequence: intron variant.
Genome position (GRCh38, 1-based): chr12:32,737,744, T>C. VCF-style: chr12-32737744-T-C. GRCh37 (hg19) VCF-style: chr12-32890678-T-C.
Other names: c.1636-121T>C (NM_001278464.2, NM_001278465.2); c.1635+583T>C (NM_001330380.2); c.988-121T>C (NM_001278466.2); c.1597-121T>C (NM_001278463.2); c.1597-520T>C (NM_012063.4); c.1596+583T>C (NM_005690.5).
Identifiers: ClinVar variation 676333 (VCV000676333.2), dbSNP rs59000311, ClinGen allele CA235199840.

ClinVar aggregate classification (germline): Benign. Review status: criteria provided, multiple submitters, no conflicts (2 of 4 stars). 2 submissions from 2 submitters: Benign (2). Last evaluated 2018-06-14.

Allele frequency attached by ClinVar (database versions not stated): 1000 Genomes Project 0.10923; 1000 Genomes Project 30x 0.11430; gnomAD exomes 0.11551; TOPMed 0.14791; gnomAD 0.14872 and 0.15519.
gnomAD v4.1: 95,511 of 782,432 alleles (12%); highest among the groups gnomAD compares: African/African-American, 23%; 6,949 homozygotes.

Submissions (2):

GeneDx
Classification: Benign. Last evaluated: 2018-06-14. Review status: criteria provided, single submitter. Criteria: GeneDx Variant Classification (06012015). Collection method: clinical testing. Allele origin: germline. Affected: yes.
Comment: This variant is considered likely benign or benign based on one or more of the following criteria: it is a conservative change, it occurs at a poorly conserved position in the protein, it is predicted to be benign by multiple in silico algorithms, and/or has population frequency not consistent with disease.

Breakthrough Genomics
Classification: Benign. Review status: criteria provided, single submitter. Criteria: ACMG Guidelines, 2015. Collection method: not provided. Allele origin: germline. Inheritance: Autosomal recessive inheritance. Affected: yes.